The following is an entry in ClinVar:

NM_001164277.2(SLC37A4):c.1097A>T (p.His366Leu)

Gene: SLC37A4 (solute carrier family 37 member 4; minus strand). Cytogenetic location: 11q23.3.
Variant type: single nucleotide variant.
Coding change: c.1097A>T on transcript NM_001164277.2 (MANE Select); coding-DNA position 1097, A replaced by T.
Protein change: p.His366Leu; replaces histidine 366 with leucine.
Molecular consequence: missense variant.
Genome position (GRCh38, 1-based): chr11:119,025,217, T>A on the plus strand (A>T on the coding strand, the complement: SLC37A4 is on the minus strand). VCF-style: chr11-119025217-T-A. GRCh37 (hg19) VCF-style: chr11-118895927-T-A.
Other names: c.1163A>T, p.His388Leu (NM_001164278.2); c.878A>T, p.His293Leu (NM_001164279.2); c.1097A>T, p.His366Leu (NM_001164280.2, NM_001467.6); short protein forms H388L, H293L, H366L.
Identifiers: ClinVar variation 3665125 (VCV003665125.2).

ClinVar aggregate classification (germline): Uncertain significance (1 of 4 stars; one submission).

Conditions:
Glucose-6-phosphate transport defect (GSD1B). Also called: Glycogen Storage Disease Type Ib; GSD Ib. Identifiers: Orphanet 364, Orphanet 79259, MedGen C0268146, MONDO:0009288, OMIM 232220.

Submission:

Labcorp Genetics (formerly Invitae), Labcorp
Classification: Uncertain significance for Glucose-6-phosphate transport defect. Last evaluated: 2024-10-17. Review status: criteria provided, single submitter. Criteria: Invitae Variant Classification Sherloc (09022015). Collection method: clinical testing. Allele origin: germline.
Comment: This sequence change replaces histidine, which is basic and polar, with leucine, which is neutral and non-polar, at codon 366 of the SLC37A4 protein (p.His366Leu). This variant is not present in population databases (gnomAD no frequency). This variant has not been reported in the literature in individuals affected with SLC37A4-related conditions. Invitae Evidence Modeling of protein sequence and biophysical properties (such as structural, functional, and spatial information, amino acid conservation, physicochemical variation, residue mobility, and thermodynamic stability) has been performed for this missense variant. However, the output from this modeling did not meet the statistical confidence thresholds required to predict the impact of this variant on SLC37A4 protein function. In summary, the available evidence is currently insufficient to determine the role of this variant in disease. Therefore, it has been classified as a Variant of Uncertain Significance.